The following is an entry in ClinVar:

NM_024570.4(RNASEH2B):c.321G>A (p.Glu107=)

Gene: RNASEH2B (ribonuclease H2 subunit B; plus strand). Cytogenetic location: 13q14.3.
Variant type: single nucleotide variant.
Coding change: c.321G>A on transcript NM_024570.4 (MANE Select); coding-DNA position 321, G replaced by A.
Protein change: p.Glu107=; no amino-acid change (glutamic acid 107 retained).
Molecular consequence: synonymous variant.
Genome position (GRCh38, 1-based): chr13:50,930,759, G>A. VCF-style: chr13-50930759-G-A. GRCh37 (hg19) VCF-style: chr13-51504895-G-A.
Other names: c.321G>A, p.Glu107= (NM_001142279.2, NM_001411023.1).
Identifiers: ClinVar variation 2131982 (VCV002131982.4), dbSNP rs1405304207, ClinGen allele CA483839542.

ClinVar aggregate classification (germline): Uncertain significance (1 of 4 stars; one submission).

Conditions:
Aicardi-Goutieres syndrome 2. Identifiers: Orphanet 51, MedGen C3489724, MONDO:0012429, OMIM 610181.

Allele frequency attached by ClinVar (database versions not stated): gnomAD exomes below 0.00001; gnomAD 0.00001.
gnomAD v4.1: 3 of 1,611,782 alleles (0.00019%); highest among the groups gnomAD compares: Non-Finnish European, 0.00025%; no homozygotes.

Submission:

Labcorp Genetics (formerly Invitae), Labcorp
Classification: Uncertain significance for Aicardi-Goutieres syndrome 2. Last evaluated: 2022-04-29. Review status: criteria provided, single submitter. Criteria: Invitae Variant Classification Sherloc (09022015). Collection method: clinical testing. Allele origin: germline.
Comment: In summary, the available evidence is currently insufficient to determine the role of this variant in disease. Therefore, it has been classified as a Variant of Uncertain Significance. Variants that disrupt the consensus splice site are a relatively common cause of aberrant splicing (PMID: 17576681, 9536098). Algorithms developed to predict the effect of sequence changes on RNA splicing suggest that this variant may disrupt the consensus splice site. This variant has not been reported in the literature in individuals affected with RNASEH2B-related conditions. This variant is present in population databases (no rsID available, gnomAD 0.0009%). This sequence change affects codon 107 of the RNASEH2B mRNA. It is a 'silent' change, meaning that it does not change the encoded amino acid sequence of the RNASEH2B protein. This variant also falls at the last nucleotide of exon 4, which is part of the consensus splice site for this exon.

Literature cited by the submitters: PubMed 17576681; PubMed 9536098.